The following is an entry in ClinVar:

NM_000455.5(STK11):c.1122A>G (p.Glu374=)

Gene: STK11 (serine/threonine kinase 11; plus strand). Cytogenetic location: 19p13.3.
Variant type: single nucleotide variant.
Coding change: c.1122A>G on transcript NM_000455.5 (MANE Select); coding-DNA position 1122, A replaced by G.
Protein change: p.Glu374=; no amino-acid change (glutamic acid 374 retained).
Molecular consequence: synonymous variant.
Genome position (GRCh38, 1-based): chr19:1,226,467, A>G. VCF-style: chr19-1226467-A-G. GRCh37 (hg19) VCF-style: chr19-1226466-A-G.
Identifiers: ClinVar variation 764791 (VCV000764791.12), dbSNP rs1599932051, ClinGen allele CA504708368.

ClinVar aggregate classification (germline): Benign/Likely benign. Review status: criteria provided, multiple submitters, no conflicts (2 of 4 stars). 3 submissions from 3 submitters: Benign (1); Likely benign (2). Last evaluated 2025-10-22.

Conditions:
Peutz-Jeghers syndrome (PJS). Also called: POLYPOSIS, HAMARTOMATOUS INTESTINAL; POLYPS-AND-SPOTS SYNDROME; Peutz-Jeghers polyposis; Periorificial lentiginosis syndrome. Identifiers: Orphanet 2869, MedGen C0031269, MeSH D010580, MONDO:0008280, OMIM 175200.
Hereditary cancer-predisposing syndrome. Also called: Tumor predisposition; Hereditary Cancer Syndrome; Neoplastic Syndromes, Hereditary; Hereditary neoplastic syndrome. Identifiers: Orphanet 140162, MedGen C0027672, MeSH D009386, MONDO:0015356.

Submissions (3):

Ambry Genetics
Classification: Likely benign for Hereditary cancer-predisposing syndrome. Last evaluated: 2025-10-22. Review status: criteria provided, single submitter. Criteria: Ambry Variant Classification Scheme 2023. Collection method: clinical testing. Allele origin: germline.

Myriad Genetics, Inc.
Classification: Benign for Peutz-Jeghers syndrome. Last evaluated: 2025-03-28. Review status: criteria provided, single submitter. Criteria: Myriad Autosomal Dominant, Autosomal Recessive and X-Linked Classification Criteria (2023). Collection method: clinical testing. Allele origin: unknown.
Comment: This variant is considered benign. This variant is a silent/synonymous amino acid change and it is not expected to impact splicing.

Labcorp Genetics (formerly Invitae), Labcorp
Classification: Likely benign for Peutz-Jeghers syndrome. Last evaluated: 2024-09-15. Review status: criteria provided, single submitter. Criteria: Invitae Variant Classification Sherloc (09022015). Collection method: clinical testing. Allele origin: germline.